The following is an entry in ClinVar:

ClinVar aggregate classification (germline): Conflicting classifications of pathogenicity. Review status: criteria provided, conflicting classifications (1 of 4 stars). 2 submissions from 2 submitters: Likely pathogenic (1); Uncertain significance (1). Last evaluated 2024-03-15.

Conditions:
Deficiency of cytochrome-b5 reductase. Also called: METHEMOGLOBINEMIA, CONGENITAL, AUTOSOMAL RECESSIVE; NADH-DEPENDENT METHEMOGLOBIN REDUCTASE DEFICIENCY. Identifiers: Orphanet 621, MedGen C0268193, MONDO:0009606, OMIM 250800.

Allele frequency attached by ClinVar (database versions not stated): TOPMed 0.00003; ExAC 0.00004; gnomAD exomes 0.00004; gnomAD 0.00005; ESP Exome Variant Server 0.00008.

Submissions (2):

Labcorp Genetics (formerly Invitae), Labcorp
Classification: Likely pathogenic. Last evaluated: 2024-03-15. Review status: criteria provided, single submitter. Criteria: Invitae Variant Classification Sherloc (09022015). Collection method: clinical testing. Allele origin: germline.
Comment: This sequence change replaces arginine, which is basic and polar, with glutamine, which is neutral and polar, at codon 50 of the CYB5R3 protein (p.Arg50Gln). This variant is present in population databases (rs200877999, gnomAD 0.005%). This missense change has been observed in individual(s) with methemoglobinemia (PMID: 1159544, 11159544, 27922248). It has also been observed to segregate with disease in related individuals. This variant is also known as R49Q. ClinVar contains an entry for this variant (Variation ID: 2440660). Advanced modeling of protein sequence and biophysical properties (such as structural, functional, and spatial information, amino acid conservation, physicochemical variation, residue mobility, and thermodynamic stability) performed at Invitae indicates that this missense variant is not expected to disrupt CYB5R3 protein function with a negative predictive value of 80%. This variant disrupts the p.Arg50 amino acid residue in CYB5R3. Other variant(s) that disrupt this residue have been determined to be pathogenic (PMID: 24266649). This suggests that this residue is clinically significant, and that variants that disrupt this residue are likely to be disease-causing. In summary, the currently available evidence indicates that the variant is pathogenic, but additional data are needed to prove that conclusively. Therefore, this variant has been classified as Likely Pathogenic.

Revvity Omics, Revvity
Classification: Uncertain significance for Deficiency of cytochrome-b5 reductase. Last evaluated: 2021-07-01. Review status: criteria provided, single submitter. Criteria: ACMG Guidelines, 2015. Collection method: clinical testing. Allele origin: germline.

Literature cited by the submitters: PubMed 1159544 (cited by Labcorp Genetics (formerly Invitae), Labcorp); PubMed 11159544 (cited by Labcorp Genetics (formerly Invitae), Labcorp); PubMed 27922248 (cited by Labcorp Genetics (formerly Invitae), Labcorp); PubMed 24266649 (cited by Labcorp Genetics (formerly Invitae), Labcorp).

NM_000398.7(CYB5R3):c.149G>A (p.Arg50Gln)

Gene: CYB5R3 (cytochrome b5 reductase 3; minus strand). Cytogenetic location: 22q13.2.
Variant type: single nucleotide variant.
Coding change: c.149G>A on transcript NM_000398.7 (MANE Select); coding-DNA position 149, G replaced by A.
Protein change: p.Arg50Gln; replaces arginine 50 with glutamine.
Molecular consequence: missense variant.
Genome position (GRCh38, 1-based): chr22:42,636,719, C>T on the plus strand (G>A on the coding strand, the complement: CYB5R3 is on the minus strand). VCF-style: chr22-42636719-C-T. GRCh37 (hg19) VCF-style: chr22-43032725-C-T.
Other names: c.149G>A, p.Arg50Gln (NM_001031678.1); c.80G>A, p.Arg27Gln (NM_001129819.2, NM_001171661.1, NM_007326.4); c.248G>A, p.Arg83Gln (NM_001171660.2); short protein forms R27Q, R50Q, R83Q.
Identifiers: ClinVar variation 2440660 (VCV002440660.6), dbSNP rs200877999, ClinGen allele CA10269898.